The following is an entry in ClinVar:

NM_018668.5(VPS33B):c.133C>A (p.Leu45Ile)

Gene: VPS33B (VPS33B late endosome and lysosome associated; minus strand). Cytogenetic location: 15q26.1.
Variant type: single nucleotide variant.
Coding change: c.133C>A on transcript NM_018668.5 (MANE Select); coding-DNA position 133, C replaced by A.
Protein change: p.Leu45Ile; replaces leucine 45 with isoleucine.
Molecular consequence: missense variant. On other transcripts: 5 prime UTR variant (1), intron variant (1).
Genome position (GRCh38, 1-based): chr15:91,017,849, G>T on the plus strand (C>A on the coding strand, the complement: VPS33B is on the minus strand). VCF-style: chr15-91017849-G-T. GRCh37 (hg19) VCF-style: chr15-91561079-G-T.
Other names: c.-79C>A (NM_001289149.1); c.97-825C>A (NM_001289148.1); c.133C>A (NM_018668.4); short protein forms L45I.
Identifiers: ClinVar variation 195341 (VCV000195341.12), dbSNP rs199874738, ClinGen allele CA241742.
Genomic context (GRCh38, chr15:91,017,849, plus strand): 5'-GGGAAAGGGACAGTACCTTCAGGATGGAGACATTGGCAATTCGATCCAAAGGGCTCATGA[G>T]ATCTGCCTCAATGAATAAATCCTTTTTTCCAGGAAGCTGAAGGAGACACAATATGTTGGG-3'
Protein context (NP_061138.3, residues 35-55): GKKDLFIEAD[Leu45Ile]MSPLDRIANV

ClinVar aggregate classification (germline): Uncertain significance. Review status: criteria provided, multiple submitters, no conflicts (2 of 4 stars). 5 submissions from 5 submitters: Uncertain significance (5). Last evaluated 2025-10-30.

Conditions:
VPS33B-related disorder. Also called: VPS33B-related condition.
Arthrogryposis, renal dysfunction, and cholestasis 1 (ARCS1). Identifiers: Orphanet 2697, MedGen C1859722, MONDO:0008822, OMIM 208085.
Keratoderma-ichthyosis-deafness syndrome, autosomal recessive (KDIDAR). Identifiers: MedGen C5774200, MONDO:0859278, OMIM 620009.
Cholestasis, progressive familial intrahepatic, 12 (PFIC12). Also called: CHOLESTASIS, ISOLATED LOW-GGT. Identifiers: MedGen C5774311, MONDO:0031040, OMIM 620010.

Allele frequency attached by ClinVar (database versions not stated): gnomAD 0.00021; TOPMed 0.00021.
gnomAD v4.1: 309 of 1,613,986 alleles (0.019%); highest among the groups gnomAD compares: Non-Finnish European, 0.025%; no homozygotes.

Submissions (5):

PreventionGenetics, part of Exact Sciences
Classification: Uncertain significance for VPS33B-related condition. Last evaluated: 2025-10-30. Review status: criteria provided, single submitter. Criteria: ACMG Guidelines, 2015. Collection method: clinical testing. Allele origin: germline.
Comment: The VPS33B c.133C>A variant is predicted to result in the amino acid substitution p.Leu45Ile. To our knowledge, this variant has not been reported in the literature. This variant is reported in 0.029% of alleles in individuals of European (Non-Finnish) descent in gnomAD. At this time, the clinical significance of this variant is uncertain due to the absence of conclusive functional and genetic evidence.

Fulgent Genetics
Classification: Uncertain significance for Arthrogryposis, renal dysfunction, and cholestasis 1; Keratoderma-ichthyosis-deafness syndrome, autosomal recessive; Cholestasis, progressive familial intrahepatic, 12. Last evaluated: 2024-03-29. Review status: criteria provided, single submitter. Criteria: ACMG Guidelines, 2015. Collection method: clinical testing. Allele origin: germline.

Labcorp Genetics (formerly Invitae), Labcorp
Classification: Uncertain significance. Last evaluated: 2022-10-13. Review status: criteria provided, single submitter. Criteria: Invitae Variant Classification Sherloc (09022015). Collection method: clinical testing. Allele origin: germline.
Comment: This sequence change replaces leucine, which is neutral and non-polar, with isoleucine, which is neutral and non-polar, at codon 45 of the VPS33B protein (p.Leu45Ile). This variant is present in population databases (rs199874738, gnomAD 0.03%). This variant has not been reported in the literature in individuals affected with VPS33B-related conditions. ClinVar contains an entry for this variant (Variation ID: 195341). Advanced modeling of protein sequence and biophysical properties (such as structural, functional, and spatial information, amino acid conservation, physicochemical variation, residue mobility, and thermodynamic stability) performed at Invitae indicates that this missense variant is not expected to disrupt VPS33B protein function. In summary, the available evidence is currently insufficient to determine the role of this variant in disease. Therefore, it has been classified as a Variant of Uncertain Significance.

Illumina Laboratory Services, Illumina
Classification: Uncertain significance for Arthrogryposis, renal dysfunction, and cholestasis 1. Last evaluated: 2018-01-13. Review status: criteria provided, single submitter. Criteria: ICSL Variant Classification Criteria 13 December 2019. Collection method: clinical testing. Allele origin: germline.

Eurofins Ntd Llc (ga)
Classification: Uncertain significance. Last evaluated: 2015-01-21. Review status: criteria provided, single submitter. Criteria: EGL Classification Definitions 2015. Collection method: clinical testing. Allele origin: germline. Observed: 1 variant allele, 1 heterozygote.